The following is an entry in ClinVar:

ClinVar aggregate classification (germline): Uncertain significance. Review status: criteria provided, multiple submitters, no conflicts (2 of 4 stars). 5 submissions from 5 submitters: Uncertain significance (5). Last evaluated 2025-12-02.

Conditions:
Inborn genetic diseases. Identifiers: MedGen C0950123, MeSH D030342.
Sphingolipid activator protein 1 deficiency. Also called: METACHROMATIC LEUKODYSTROPHY DUE TO CEREBROSIDE SULFATASE ACTIVATOR DEFICIENCY; Metachromatic leukodystrophy due to saposin B deficiency; Saposin B Deficiency. Identifiers: Orphanet 512, MedGen C0268262, MONDO:0009590, OMIM 249900.

Allele frequency attached by ClinVar (database versions not stated): gnomAD exomes 0.00002; ExAC 0.00005; gnomAD 0.00008; TOPMed 0.00008.
gnomAD v4.1: 46 of 1,614,044 alleles (0.0028%); highest among the groups gnomAD compares: Admixed American, 0.012%; no homozygotes.

Submissions (5):

Women's Health and Genetics/Laboratory Corporation of America, LabCorp
Classification: Uncertain significance. Last evaluated: 2025-12-02. Review status: criteria provided, single submitter. Criteria: LabCorp Variant Classification Summary - May 2015. Collection method: clinical testing. Allele origin: germline.
Comment: Variant summary: PSAP c.718A>G (p.Ile240Val) results in a conservative amino acid change in the encoded protein sequence. Algorithms developed to predict the effect of missense changes on protein structure and function all suggest that this variant is likely to be tolerated. The variant allele was found at a frequency of 3.2e-05 in 251354 control chromosomes. The available data on variant occurrences in the general population are insufficient to allow any conclusion about variant significance. To our knowledge, no occurrence of c.718A>G in individuals affected with PSAP-related conditions and no experimental evidence demonstrating its impact on protein function have been reported. ClinVar contains an entry for this variant (Variation ID: 2200918). Based on the evidence outlined above, the variant was classified as uncertain significance.

Ambry Genetics
Classification: Uncertain significance for Inborn genetic diseases. Last evaluated: 2025-08-01. Review status: criteria provided, single submitter. Criteria: Ambry Variant Classification Scheme 2023. Collection method: clinical testing. Allele origin: germline.

Blueprint Genetics
Classification: Uncertain significance. Last evaluated: 2024-08-19. Review status: criteria provided, single submitter. Criteria: ACMG Guidelines, 2015. Collection method: clinical testing. Allele origin: germline.

GeneDx
Classification: Uncertain significance. Last evaluated: 2022-11-28. Review status: criteria provided, single submitter. Criteria: GeneDx Variant Classification Process June 2021. Collection method: clinical testing. Allele origin: germline. Affected: yes.
Comment: Not observed at significant frequency in large population cohorts (gnomAD); In silico analysis supports that this missense variant does not alter protein structure/function; In silico analysis suggests this variant may impact gene splicing. In the absence of RNA/functional studies, the actual effect of this sequence change is unknown.; Has not been previously published as pathogenic or benign to our knowledge

Labcorp Genetics (formerly Invitae), Labcorp
Classification: Uncertain significance for Sphingolipid activator protein 1 deficiency. Last evaluated: 2022-09-27. Review status: criteria provided, single submitter. Criteria: Invitae Variant Classification Sherloc (09022015). Collection method: clinical testing. Allele origin: germline.
Comment: This sequence change replaces isoleucine, which is neutral and non-polar, with valine, which is neutral and non-polar, at codon 240 of the PSAP protein (p.Ile240Val). This variant is present in population databases (rs745994939, gnomAD 0.006%). This variant has not been reported in the literature in individuals affected with PSAP-related conditions. Algorithms developed to predict the effect of missense changes on protein structure and function output the following: SIFT: "Not Available"; PolyPhen-2: "Benign"; Align-GVGD: "Not Available". The valine amino acid residue is found in multiple mammalian species, which suggests that this missense change does not adversely affect protein function. Algorithms developed to predict the effect of sequence changes on RNA splicing suggest that this variant may create or strengthen a splice site. In summary, the available evidence is currently insufficient to determine the role of this variant in disease. Therefore, it has been classified as a Variant of Uncertain Significance.

NM_002778.4(PSAP):c.718A>G (p.Ile240Val)

Gene: PSAP (prosaposin; minus strand). Cytogenetic location: 10q22.1.
Variant type: single nucleotide variant.
Coding change: c.718A>G on transcript NM_002778.4 (MANE Select); coding-DNA position 718, A replaced by G.
Protein change: p.Ile240Val; replaces isoleucine 240 with valine.
Molecular consequence: missense variant.
Genome position (GRCh38, 1-based): chr10:71,828,016, T>C on the plus strand (A>G on the coding strand, the complement: PSAP is on the minus strand). VCF-style: chr10-71828016-T-C. GRCh37 (hg19) VCF-style: chr10-73587773-T-C.
Other names: c.718A>G, p.Ile240Val (NM_001042465.3, NM_001042466.3); c.718A>G (NM_002778.2); short protein forms I240V.
Identifiers: ClinVar variation 2200918 (VCV002200918.6), dbSNP rs745994939, ClinGen allele CA5547685.